The following is an entry in ClinVar:

NM_000350.3(ABCA4):c.1694C>A (p.Pro565His)

Gene: ABCA4 (ATP binding cassette subfamily A member 4; minus strand). Cytogenetic location: 1p22.1.
Variant type: single nucleotide variant.
Coding change: c.1694C>A on transcript NM_000350.3 (MANE Select); coding-DNA position 1694, C replaced by A.
Protein change: p.Pro565His; replaces proline 565 with histidine.
Molecular consequence: missense variant.
Genome position (GRCh38, 1-based): chr1:94,063,178, G>T on the plus strand (C>A on the coding strand, the complement: ABCA4 is on the minus strand). VCF-style: chr1-94063178-G-T. GRCh37 (hg19) VCF-style: chr1-94528734-G-T.
Other names: c.1694C>A, p.Pro565His (NM_001425324.1); short protein forms P565H.
Identifiers: ClinVar variation 999375 (VCV000999375.7), dbSNP rs765891059, ClinGen allele CA958455.

ClinVar aggregate classification (germline): Likely benign. Review status: criteria provided, single submitter (1 of 4 stars). 2 submissions from 2 submitters: Likely benign (1). 1 of the submissions does not count toward it. Last evaluated 2025-09-15.

Conditions:
Stargardt disease (FFM). Also called: Stargardt's disease; Fundus flavimaculatus. Identifiers: Orphanet 827, MedGen C0271093, MONDO:0019353.

Allele frequency attached by ClinVar (database versions not stated): gnomAD 0.00001; TOPMed 0.00002; gnomAD exomes 0.00007 and 0.00017; ExAC 0.00019.
gnomAD v4.1: 46 of 1,613,992 alleles (0.0029%); highest among the groups gnomAD compares: Admixed American, 0.077%; no homozygotes.

Submissions (2):

Labcorp Genetics (formerly Invitae), Labcorp
Classification: Likely benign. Last evaluated: 2025-09-15. Review status: criteria provided, single submitter. Criteria: Invitae Variant Classification Sherloc (09022015). Collection method: clinical testing. Allele origin: germline.

Ophthalmo-Genetics Lab, Instituto de Oftalmologia Conde de Valenciana
Classification: Likely pathogenic for Stargardt disease. Last evaluated: 2022-12-19. Review status: no assertion criteria provided. Collection method: research. Allele origin: biparental. Inheritance: Autosomal recessive inheritance. Affected: yes. Observed: 1 heterozygote. Not counted in ClinVar's aggregate classification.
Comment: PP1,PP4,PM2,PM3 ACMG Criteria

Literature cited by the submitters: PubMed 30578500 (cited by Ophthalmo-Genetics Lab, Instituto de Oftalmologia Conde de Valenciana).